The following is an entry in ClinVar:

NM_006017.3(PROM1):c.383A>G (p.Tyr128Cys)

Gene: PROM1 (prominin 1; minus strand). Cytogenetic location: 4p15.32.
Variant type: single nucleotide variant.
Coding change: c.383A>G on transcript NM_006017.3 (MANE Select); coding-DNA position 383, A replaced by G.
Protein change: p.Tyr128Cys; replaces tyrosine 128 with cysteine.
Molecular consequence: missense variant.
Genome position (GRCh38, 1-based): chr4:16,033,430, T>C on the plus strand (A>G on the coding strand, the complement: PROM1 is on the minus strand). VCF-style: chr4-16033430-T-C. GRCh37 (hg19) VCF-style: chr4-16035053-T-C.
Other names: c.356A>G, p.Tyr119Cys (NM_001145847.2, NM_001145848.2, NM_001145851.2 and 4 more transcripts); c.383A>G, p.Tyr128Cys (NM_001145849.2, NM_001145850.2); short protein forms Y119C, Y128C.
Identifiers: ClinVar variation 957787 (VCV000957787.11), dbSNP rs113266999, ClinGen allele CA2867080.
Genomic context (GRCh38, chr4:16,033,430, plus strand): 5'-TTCTGTCGCTGGTGCATTTCTCCACCACATTTGTTACAGCAACGACACATACAAAAGAAA[T>C]ACCCCACCAGAGGCATCAGAATAATAAACAGCAGCCCCAGGACACAGCATAGAATAATCC-3'
Protein context (NP_006008.1, residues 118-138): LFIILMPLVG[Tyr128Cys]FFCMCRCCNK

ClinVar aggregate classification (germline): Uncertain significance. Review status: criteria provided, multiple submitters, no conflicts (2 of 4 stars). 4 submissions from 4 submitters: Uncertain significance (4). Last evaluated 2026-09-18.

Conditions:
Inborn genetic diseases. Identifiers: MedGen C0950123, MeSH D030342.
PROM1-related disorder. Also called: PROM1-related disorders; PROM1-related condition.

Allele frequency attached by ClinVar (database versions not stated): ExAC 0.00005; ESP Exome Variant Server 0.00025; gnomAD 0.00007 and 0.00008; 1000 Genomes Project 30x 0.00016; 1000 Genomes Project 0.00020; gnomAD exomes 0.00003; TOPMed 0.00011.
gnomAD v4.1: 24 of 1,613,630 alleles (0.0015%); highest among the groups gnomAD compares: African/African-American, 0.029%; no homozygotes.

Submissions (4):

PreventionGenetics, part of Exact Sciences
Classification: Uncertain significance for PROM1-related condition. Last evaluated: 2026-09-18. Review status: criteria provided, single submitter. Criteria: ACMG Guidelines, 2015. Collection method: clinical testing. Allele origin: germline.
Comment: The PROM1 c.383A>G variant is predicted to result in the amino acid substitution p.Tyr128Cys. To our knowledge, this variant has not been reported in the literature. This variant is present in 0.033% of alleles in individuals of African descent in gnomAD. At this time, the clinical significance of this variant is uncertain due to the absence of conclusive functional and genetic evidence.

Ambry Genetics
Classification: Uncertain significance for Inborn genetic diseases. Last evaluated: 2026-08-18. Review status: criteria provided, single submitter. Criteria: Ambry Variant Classification Scheme 2023. Collection method: clinical testing. Allele origin: germline.

Labcorp Genetics (formerly Invitae), Labcorp
Classification: Uncertain significance. Last evaluated: 2026-01-18. Review status: criteria provided, single submitter. Criteria: Invitae Variant Classification Sherloc (09022015). Collection method: clinical testing. Allele origin: germline.
Comment: This sequence change replaces tyrosine, which is neutral and polar, with cysteine, which is neutral and slightly polar, at codon 128 of the PROM1 protein (p.Tyr128Cys). The frequency data for this variant in the population databases is considered unreliable, as metrics indicate poor data quality at this position in the gnomAD database. This variant has not been reported in the literature in individuals affected with PROM1-related conditions. ClinVar contains an entry for this variant (Variation ID: 957787). Invitae Evidence Modeling of protein sequence and biophysical properties (such as structural, functional, and spatial information, amino acid conservation, physicochemical variation, residue mobility, and thermodynamic stability) indicates that this missense variant is not expected to disrupt PROM1 protein function with a negative predictive value of 80%. In summary, the available evidence is currently insufficient to determine the role of this variant in disease. Therefore, it has been classified as a Variant of Uncertain Significance.

Blueprint Genetics
Classification: Uncertain significance. Last evaluated: 2022-09-06. Review status: criteria provided, single submitter. Criteria: ACMG Guidelines, 2015. Collection method: clinical testing. Allele origin: germline.